The following is an entry in ClinVar:

ClinVar aggregate classification (germline): Uncertain significance. Review status: criteria provided, multiple submitters, no conflicts (2 of 4 stars). 2 submissions from 2 submitters: Uncertain significance (2). Last evaluated 2026-01-26.

Conditions:
BBS1-related disorder. Also called: BBS1-related condition.

gnomAD v4.1: 36 of 1,614,072 alleles (0.0022%); highest among the groups gnomAD compares: South Asian, 0.0044%; no homozygotes.

Submissions (2):

PreventionGenetics, part of Exact Sciences
Classification: Uncertain significance for BBS1-related condition. Last evaluated: 2026-01-26. Review status: criteria provided, single submitter. Criteria: ACMG Guidelines, 2015. Collection method: clinical testing. Allele origin: germline.
Comment: The BBS1 c.1148G>A variant is predicted to result in the amino acid substitution p.Arg383Gln. To our knowledge, this variant has not been reported in the literature. This variant is reported in 0.0053% of alleles in individuals of European (Non-Finnish) descent in gnomAD. At this time, the clinical significance of this variant is uncertain due to the absence of conclusive functional and genetic evidence.

Blueprint Genetics
Classification: Uncertain significance. Last evaluated: 2022-09-26. Review status: criteria provided, single submitter. Criteria: ACMG Guidelines, 2015. Collection method: clinical testing. Allele origin: germline.

NM_024649.5(BBS1):c.1148G>A (p.Arg383Gln)

Genes: BBS1 (Bardet-Biedl syndrome 1; plus strand), ZDHHC24 (zDHHC palmitoyltransferase 24; minus strand). Cytogenetic location: 11q13.2.
Variant type: single nucleotide variant.
Coding change: c.1148G>A on transcript NM_024649.5 (MANE Select); coding-DNA position 1148, G replaced by A.
Protein change: p.Arg383Gln; replaces arginine 383 with glutamine.
Molecular consequence: missense variant. On other transcripts: intron variant (1).
Genome position (GRCh38, 1-based): chr11:66,526,160, G>A. VCF-style: chr11-66526160-G-A. GRCh37 (hg19) VCF-style: chr11-66293631-G-A.
Other names: c.*21+776C>T (NM_001348571.2); short protein forms R383Q.
Identifiers: ClinVar variation 3358399 (VCV003358399.3).